The following is an entry in ClinVar:

NM_016204.4(GDF2):c.41C>T (p.Ser14Phe)

Gene: GDF2 (growth differentiation factor 2; plus strand). Cytogenetic location: 10q11.22.
Variant type: single nucleotide variant.
Coding change: c.41C>T on transcript NM_016204.4 (MANE Select); coding-DNA position 41, C replaced by T.
Protein change: p.Ser14Phe; replaces serine 14 with phenylalanine.
Molecular consequence: missense variant.
Genome position (GRCh38, 1-based): chr10:47,322,709, C>T. VCF-style: chr10-47322709-C-T. GRCh37 (hg19) VCF-style: chr10-48416653-G-A.
Other names: short protein forms S14F.
Identifiers: ClinVar variation 3018076 (VCV003018076.3), dbSNP rs1190807654, ClinGen allele CA376651744.

ClinVar aggregate classification (germline): Uncertain significance (1 of 4 stars; one submission).

Conditions:
Telangiectasia, hereditary hemorrhagic, type 5 (HHT5). Identifiers: Orphanet 774, MedGen C3809710, MONDO:0014217, OMIM 615506.

Allele frequency attached by ClinVar (database versions not stated): gnomAD exomes below 0.00001.

Submission:

Labcorp Genetics (formerly Invitae), Labcorp
Classification: Uncertain significance for Telangiectasia, hereditary hemorrhagic, type 5. Last evaluated: 2023-03-01. Review status: criteria provided, single submitter. Criteria: Invitae Variant Classification Sherloc (09022015). Collection method: clinical testing. Allele origin: germline.
Comment: In summary, the available evidence is currently insufficient to determine the role of this variant in disease. Therefore, it has been classified as a Variant of Uncertain Significance. Algorithms developed to predict the effect of missense changes on protein structure and function output the following: SIFT: "Not Available"; PolyPhen-2: "Benign"; Align-GVGD: "Not Available". The phenylalanine amino acid residue is found in multiple mammalian species, which suggests that this missense change does not adversely affect protein function. This variant has not been reported in the literature in individuals affected with GDF2-related conditions. This variant is not present in population databases (gnomAD no frequency). This sequence change replaces serine, which is neutral and polar, with phenylalanine, which is neutral and non-polar, at codon 14 of the GDF2 protein (p.Ser14Phe).